The following is an entry in ClinVar:

NM_000416.3(IFNGR1):c.85+1G>T

Gene: IFNGR1 (interferon gamma receptor 1; minus strand). Cytogenetic location: 6q23.3.
Variant type: single nucleotide variant.
Coding change: c.85+1G>T on transcript NM_000416.3 (MANE Select); the canonical splice donor site of the intron after coding-DNA position 85, G replaced by T.
Molecular consequence: splice donor variant.
Genome position (GRCh38, 1-based): chr6:137,219,242, C>A on the plus strand (G>T on the coding strand, the complement: IFNGR1 is on the minus strand). VCF-style: chr6-137219242-C-A. GRCh37 (hg19) VCF-style: chr6-137540379-C-A.
Identifiers: ClinVar variation 2585538 (VCV002585538.1), dbSNP rs2548247291, ClinGen allele CA365776379.

ClinVar aggregate classification (germline): Likely pathogenic (1 of 4 stars; one submission).

Conditions:
Immunodeficiency 27A (IMD27A). Also called: IMMUNODEFICIENCY 27A, MYCOBACTERIOSIS, AUTOSOMAL RECESSIVE; IFNGR1 DEFICIENCY, AUTOSOMAL RECESSIVE. Identifiers: Orphanet 319569, Orphanet 99898, MedGen C4011949, MONDO:0008856, OMIM 209950.

Allele frequency attached by ClinVar (database versions not stated): gnomAD exomes below 0.00001.
gnomAD v4.1: 1 of 1,608,948 alleles (0.000062%); highest among the groups gnomAD compares: African/African-American, 0.0013%; no homozygotes.

Submission:

Neuberg Centre For Genomic Medicine, NCGM
Classification: Likely pathogenic for Immunodeficiency 27A. Review status: criteria provided, single submitter. Criteria: ACMG Guidelines, 2015. Collection method: clinical testing. Allele origin: germline. Inheritance: Autosomal recessive inheritance. Affected: yes.
Comment: This variant has not been reported previously reported in affected individuals. The nucleotide change in IFNGR1 is predicted as conserved by GERP++ and PhyloP across 100 vertebrates. The variant is novel (not in any individuals) in gnomAD Exomes and 1000 Genomes. This variant is classified as Likely Pathogenic.